The following is an entry in ClinVar:

NM_000051.4(ATM):c.786G>T (p.Leu262Phe)

Gene: ATM (ATM serine/threonine kinase; plus strand). Cytogenetic location: 11q22.3.
Variant type: single nucleotide variant.
Coding change: c.786G>T on transcript NM_000051.4 (MANE Select); coding-DNA position 786, G replaced by T.
Protein change: p.Leu262Phe; replaces leucine 262 with phenylalanine.
Molecular consequence: missense variant.
Genome position (GRCh38, 1-based): chr11:108,244,911, G>T. VCF-style: chr11-108244911-G-T. GRCh37 (hg19) VCF-style: chr11-108115638-G-T.
Other names: c.786G>T, p.Leu262Phe (NM_001351834.2); short protein forms L262F.
Identifiers: ClinVar variation 3802466 (VCV003802466.1).

ClinVar aggregate classification (germline): Uncertain significance (1 of 4 stars; one submission).

Conditions:
Hereditary cancer-predisposing syndrome. Also called: Neoplastic Syndromes, Hereditary; Hereditary Cancer Syndrome; Tumor predisposition; Hereditary neoplastic syndrome. Identifiers: Orphanet 140162, MedGen C0027672, MeSH D009386, MONDO:0015356.

Submission:

Ambry Genetics
Classification: Uncertain significance for Hereditary cancer-predisposing syndrome. Last evaluated: 2025-02-05. Review status: criteria provided, single submitter. Criteria: Ambry Variant Classification Scheme 2023. Collection method: clinical testing. Allele origin: germline.
Comment: The p.L262F variant (also known as c.786G>T), located in coding exon 6 of the ATM gene, results from a G to T substitution at nucleotide position 786. The leucine at codon 262 is replaced by phenylalanine, an amino acid with highly similar properties. This amino acid position is conserved. In addition, this alteration is predicted to be tolerated by in silico analysis. Based on the available evidence, the clinical significance of this variant remains unclear.